The following is an entry in ClinVar:

ClinVar aggregate classification (germline): Uncertain significance (1 of 4 stars; one submission).

Conditions:
Hereditary cancer-predisposing syndrome. Also called: Neoplastic Syndromes, Hereditary; Tumor predisposition; Hereditary neoplastic syndrome; Hereditary Cancer Syndrome. Identifiers: Orphanet 140162, MedGen C0027672, MeSH D009386, MONDO:0015356.

gnomAD v4.1: 1 of 1,613,950 alleles (0.000062%); highest among the groups gnomAD compares: Non-Finnish European, 0.000085%; no homozygotes.

Submission:

Ambry Genetics
Classification: Uncertain significance for Hereditary cancer-predisposing syndrome. Last evaluated: 2023-10-24. Review status: criteria provided, single submitter. Criteria: Ambry Variant Classification Scheme 2023. Collection method: clinical testing. Allele origin: germline.
Comment: The p.T339S variant (also known as c.1015A>T), located in coding exon 10 of the FANCC gene, results from an A to T substitution at nucleotide position 1015. The threonine at codon 339 is replaced by serine, an amino acid with similar properties. This amino acid position is not well conserved in available vertebrate species. In addition, this alteration is predicted to be tolerated by in silico analysis. Since supporting evidence is limited at this time, the clinical significance of this alteration remains unclear.

NM_000136.3(FANCC):c.1015A>T (p.Thr339Ser)

Genes: FANCC (FA complementation group C; minus strand), AOPEP (aminopeptidase O (putative); plus strand). Cytogenetic location: 9q22.32.
Variant type: single nucleotide variant.
Coding change: c.1015A>T on transcript NM_000136.3 (MANE Select); coding-DNA position 1015, A replaced by T.
Protein change: p.Thr339Ser; replaces threonine 339 with serine.
Molecular consequence: missense variant.
Genome position (GRCh38, 1-based): chr9:95,117,372, T>A on the plus strand (A>T on the coding strand, the complement: FANCC is on the minus strand). VCF-style: chr9-95117372-T-A. GRCh37 (hg19) VCF-style: chr9-97879654-T-A.
Other names: c.1015A>T, p.Thr339Ser (NM_001243743.2, NM_001243744.2); short protein forms T339S.
Identifiers: ClinVar variation 3230351 (VCV003230351.1), dbSNP rs145497019, ClinGen allele CA196547165.